The following is an entry in ClinVar:

NM_004304.5(ALK):c.4357G>C (p.Ala1453Pro)

Gene: ALK (ALK receptor tyrosine kinase; minus strand). Cytogenetic location: 2p23.2.
Variant type: single nucleotide variant.
Coding change: c.4357G>C on transcript NM_004304.5 (MANE Select); coding-DNA position 4357, G replaced by C.
Protein change: p.Ala1453Pro; replaces alanine 1453 with proline.
Molecular consequence: missense variant.
Genome position (GRCh38, 1-based): chr2:29,193,730, C>G on the plus strand (G>C on the coding strand, the complement: ALK is on the minus strand). VCF-style: chr2-29193730-C-G. GRCh37 (hg19) VCF-style: chr2-29416596-C-G.
Other names: c.1153G>C, p.Ala385Pro (NM_001353765.2); short protein forms A1453P, A385P.
Identifiers: ClinVar variation 3855778 (VCV003855778.1).

ClinVar aggregate classification (germline): Uncertain significance (1 of 4 stars; one submission).

Conditions:
Hereditary cancer-predisposing syndrome. Also called: Hereditary neoplastic syndrome; Neoplastic Syndromes, Hereditary; Tumor predisposition; Hereditary Cancer Syndrome. Identifiers: Orphanet 140162, MedGen C0027672, MeSH D009386, MONDO:0015356.

Submission:

Ambry Genetics
Classification: Uncertain significance for Hereditary cancer-predisposing syndrome. Last evaluated: 2025-02-11. Review status: criteria provided, single submitter. Criteria: Ambry Variant Classification Scheme 2023. Collection method: clinical testing. Allele origin: germline.
Comment: The p.A1453P variant (also known as c.4357G>C), located in coding exon 29 of the ALK gene, results from a G to C substitution at nucleotide position 4357. The alanine at codon 1453 is replaced by proline, an amino acid with highly similar properties. This amino acid position is conserved. In addition, this alteration is predicted to be tolerated by in silico analysis. Based on the available evidence, the clinical significance of this variant remains unclear.